The following is an entry in ClinVar:

ClinVar aggregate classification (germline): Uncertain significance (1 of 4 stars; one submission).

Conditions:
Cardiovascular phenotype. Identifiers: MedGen CN230736.

Submission:

Ambry Genetics
Classification: Uncertain significance for Cardiovascular phenotype. Last evaluated: 2025-11-24. Review status: criteria provided, single submitter. Criteria: Ambry Variant Classification Scheme 2023. Collection method: clinical testing. Allele origin: germline.
Comment: The p.C122F variant (also known as c.365G>T), located in coding exon 3 of the MYH6 gene, results from a G to T substitution at nucleotide position 365. The cysteine at codon 122 is replaced by phenylalanine, an amino acid with highly dissimilar properties. This amino acid position is conserved. In addition, this alteration is predicted to be deleterious by in silico analysis. Based on the available evidence, the clinical significance of this variant remains unclear.

NM_002471.4(MYH6):c.365G>T (p.Cys122Phe)

Genes: MYH6 (myosin heavy chain 6; minus strand), LOC114827851 (VISTA enhancer hs2155; plus strand). Cytogenetic location: 14q11.2.
Variant type: single nucleotide variant.
Coding change: c.365G>T on transcript NM_002471.4 (MANE Select); coding-DNA position 365, G replaced by T.
Protein change: p.Cys122Phe; replaces cysteine 122 with phenylalanine.
Molecular consequence: missense variant.
Genome position (GRCh38, 1-based): chr14:23,405,360, C>A on the plus strand (G>T on the coding strand, the complement: MYH6 is on the minus strand). VCF-style: chr14-23405360-C-A. GRCh37 (hg19) VCF-style: chr14-23874569-C-A.
Other names: short protein forms C122F.
Identifiers: ClinVar variation 4614622 (VCV004614622.1).